The following is an entry in ClinVar:

ClinVar aggregate classification (germline): Likely benign. Review status: criteria provided, single submitter (1 of 4 stars). 2 submissions from 2 submitters: Likely benign (1). 1 of the submissions does not count toward it. Last evaluated 2026-01-12.

Conditions:
ACER3-related disorder. Also called: ACER3-related condition.

gnomAD v4.1: 179 of 1,552,546 alleles (0.012%); highest among the groups gnomAD compares: Middle Eastern, 0.1%; no homozygotes.

Submissions (3):

Labcorp Genetics (formerly Invitae), Labcorp
Classification: Likely benign. Last evaluated: 2026-01-12. Review status: criteria provided, single submitter. Criteria: Invitae Variant Classification Sherloc (09022015). Collection method: clinical testing. Allele origin: germline.

PreventionGenetics, part of Exact Sciences
Classification: Likely benign for ACER3-related condition. Last evaluated: 2019-06-28. Review status: no assertion criteria provided. Collection method: clinical testing. Allele origin: germline. Not counted in ClinVar's aggregate classification.
Comment: This variant is classified as likely benign based on ACMG/AMP sequence variant interpretation guidelines (Richards et al. 2015 PMID: 25741868, with internal and published modifications).

Dr. Peter K. Rogan Lab, Western University
No classification provided (evidence only). Condition: Clear cell carcinoma of kidney. Review status: no classification provided. Collection method: in vitro. Allele origin: not applicable. Functional consequence: retained intron. Not counted in ClinVar's aggregate classification.

NM_018367.7(ACER3):c.498-5C>A

Gene: ACER3 (alkaline ceramidase 3; plus strand). Cytogenetic location: 11q13.5.
Variant type: single nucleotide variant.
Coding change: c.498-5C>A on transcript NM_018367.7 (MANE Select); 5 bases into the intron before coding-DNA position 498, C replaced by A.
Molecular consequence: intron variant.
Genome position (GRCh38, 1-based): chr11:77,015,011, C>A. VCF-style: chr11-77015011-C-A. GRCh37 (hg19) VCF-style: chr11-76726055-C-A.
Other names: c.387-5C>A (NM_001300953.1, NM_001300953.2); c.213-5C>A (NM_001300954.2, NM_001300955.2).
Identifiers: ClinVar variation 1574742 (VCV001574742.11), dbSNP rs782360953, ClinGen allele CA6195732.